The following is an entry in ClinVar:

NM_001372044.2(SHANK3):c.3341C>A (p.Ala1114Asp)

Gene: SHANK3 (SH3 and multiple ankyrin repeat domains 3; plus strand). Cytogenetic location: 22q13.33.
Variant type: single nucleotide variant.
Coding change: c.3341C>A on transcript NM_001372044.2 (MANE Select); coding-DNA position 3341, C replaced by A.
Protein change: p.Ala1114Asp; replaces alanine 1114 with aspartic acid.
Molecular consequence: missense variant.
Genome position (GRCh38, 1-based): chr22:50,720,949, C>A. VCF-style: chr22-50720949-C-A. GRCh37 (hg19) VCF-style: chr22-51159377-C-A.
Other names: c.3116C>A, p.Ala1039Asp (NM_033517.1); short protein forms A1039D, A1114D.
Identifiers: ClinVar variation 3035881 (VCV003035881.2), dbSNP rs776681314, ClinGen allele CA515260748.

ClinVar aggregate classification (germline): Uncertain significance (0 of 4 stars; one submission).

Conditions:
SHANK3-related disorder. Also called: SHANK3-related condition.

Submission:

PreventionGenetics, part of Exact Sciences
Classification: Uncertain significance for SHANK3-related condition. Last evaluated: 2023-12-06. Review status: no assertion criteria provided. Collection method: clinical testing. Allele origin: germline.
Comment: The SHANK3 c.3116C>A variant is predicted to result in the amino acid substitution p.Ala1039Asp. To our knowledge, this variant has not been reported in the literature or in a large population database, indicating this variant is rare. At this time, the clinical significance of this variant is uncertain due to the absence of conclusive functional and genetic evidence.